The following is an entry in ClinVar:

ClinVar aggregate classification (germline): Uncertain significance. Review status: criteria provided, multiple submitters, no conflicts (2 of 4 stars). 2 submissions from 2 submitters: Uncertain significance (2). Last evaluated 2025-03-19.

Conditions:
Werner syndrome (WRN). Identifiers: Orphanet 902, MedGen C0043119, MONDO:0010196, OMIM 277700.

Allele frequency attached by ClinVar (database versions not stated): gnomAD exomes below 0.00001; ExAC 0.00001.
gnomAD v4.1: 5 of 1,613,898 alleles (0.00031%); highest among the groups gnomAD compares: Non-Finnish European, 0.00042%; no homozygotes.

Submissions (2):

Labcorp Genetics (formerly Invitae), Labcorp
Classification: Uncertain significance for Werner syndrome. Last evaluated: 2025-03-19. Review status: criteria provided, single submitter. Criteria: Invitae Variant Classification Sherloc (09022015). Collection method: clinical testing. Allele origin: germline.
Comment: This sequence change replaces cysteine, which is neutral and slightly polar, with serine, which is neutral and polar, at codon 771 of the WRN protein (p.Cys771Ser). This variant is present in population databases (rs746161973, gnomAD 0.0009%). This variant has not been reported in the literature in individuals affected with WRN-related conditions. ClinVar contains an entry for this variant (Variation ID: 362806). An algorithm developed to predict the effect of missense changes on protein structure and function (PolyPhen-2) suggests that this variant is likely to be disruptive. In summary, the available evidence is currently insufficient to determine the role of this variant in disease. Therefore, it has been classified as a Variant of Uncertain Significance.

Illumina Laboratory Services, Illumina
Classification: Uncertain significance for Werner syndrome. Last evaluated: 2018-01-13. Review status: criteria provided, single submitter. Criteria: ICSL Variant Classification Criteria 13 December 2019. Collection method: clinical testing. Allele origin: germline.

NM_000553.6(WRN):c.2312G>C (p.Cys771Ser)

Gene: WRN (WRN RecQ like helicase; plus strand). Cytogenetic location: 8p12.
Variant type: single nucleotide variant.
Coding change: c.2312G>C on transcript NM_000553.6 (MANE Select); coding-DNA position 2312, G replaced by C.
Protein change: p.Cys771Ser; replaces cysteine 771 with serine.
Molecular consequence: missense variant.
Genome position (GRCh38, 1-based): chr8:31,116,392, G>C. VCF-style: chr8-31116392-G-C. GRCh37 (hg19) VCF-style: chr8-30973908-G-C.
Other names: short protein forms C771S.
Identifiers: ClinVar variation 362806 (VCV000362806.6), dbSNP rs746161973, ClinGen allele CA4704718.